The following is an entry in ClinVar:

ClinVar aggregate classification (germline): Uncertain significance (1 of 4 stars; one submission).

Conditions:
Fanconi anemia complementation group I (FANCI). Also called: FANCI-Related Fanconi Anemia. Identifiers: Orphanet 84, MedGen C1836861, MONDO:0012186, OMIM 609053.

Submission:

Juno Genomics, Hangzhou Juno Genomics, Inc
Classification: Uncertain significance for Fanconi anemia complementation group I. Review status: criteria provided, single submitter. Criteria: ACMG Guidelines, 2015. Collection method: clinical testing. Allele origin: germline.
Comment: Absent from controls (or at extremely low frequency if recessive) in Genome Aggregation Database.;Protein length changes due to in-frame deletions/insertions in a non-repeat region or stop-loss variants.

NM_001113378.2(FANCI):c.706TTC[1] (p.Phe237del)

Gene: FANCI (FA complementation group I; plus strand). Cytogenetic location: 15q26.1.
Variant type: Microsatellite.
Coding change: c.706TTC[1] on transcript NM_001113378.2 (MANE Select); one copy of the 3-base unit TTC starting at c.706; the reference has two copies in a row; one copy, 3 bases deleted; also written c.709_711del.
Protein change: p.Phe237del; deletes phenylalanine 237.
Molecular consequence: inframe deletion.
Genome position (GRCh38, 1-based): chr15:89,264,561-89,264,563, TTC deleted; deleting any 3 consecutive bases within chr15:89,264,557-89,264,563 gives the same sequence; the position shown is the placement nearest the transcript's 3' end. VCF-style (leftmost placement, unchanged base first): chr15-89264556-CCTT-C. GRCh37 (hg19) VCF-style: chr15-89807787-CCTT-C.
Other names: c.709_711del (NM_001113378.2); c.427TTC[1], p.Phe144del (NM_001376910.1); c.706TTC[1], p.Phe237del (NM_001376911.1, NM_018193.3); short protein forms F144del, F237del.
Identifiers: ClinVar variation 5018916 (VCV005018916.2).